The following is an entry in ClinVar:

NM_024426.6(WT1):c.1354+2T>C

Gene: WT1 (WT1 transcription factor; minus strand). Cytogenetic location: 11p13.
Variant type: single nucleotide variant.
Coding change: c.1354+2T>C on transcript NM_024426.6 (MANE Select); the canonical splice donor site of the intron after coding-DNA position 1354, T replaced by C.
Molecular consequence: splice donor variant. On other transcripts: intron variant (1).
Genome position (GRCh38, 1-based): chr11:32,392,664, A>G on the plus strand (T>C on the coding strand, the complement: WT1 is on the minus strand). VCF-style: chr11-32392664-A-G. GRCh37 (hg19) VCF-style: chr11-32414210-A-G.
Other names: c.1180+2T>C (NM_001407050.1); c.1231+2T>C (NM_001407047.1); c.1214-600T>C (NM_001407048.1); c.1303+2T>C (NM_001407049.1, NM_000378.6, NM_001407045.1); c.1348+2T>C (NM_001407044.1); c.1354+2T>C (NM_001407046.1, NM_024424.5); c.592+2T>C (NM_001407051.1); c.652+2T>C (NM_001198552.2); and 2 more.
Identifiers: ClinVar variation 2584482 (VCV002584482.2), dbSNP rs2132919280, ClinGen allele CA379959094.

ClinVar aggregate classification (germline): Pathogenic/Likely pathogenic. Review status: criteria provided, multiple submitters, no conflicts (2 of 4 stars). 2 submissions from 2 submitters: Pathogenic (1); Likely pathogenic (1). Last evaluated 2024-05-13.

Conditions:
WT1-related disorder. Also called: WT1-related disorders. Identifiers: MedGen CN377814.
Nephrotic syndrome, type 4 (NPHS4). Also called: Familial mesangial sclerosis; Nephrotic syndrome, early onset with diffuse mesangial sclerosis. Identifiers: Orphanet 656, MedGen C3151568, MONDO:0009733, OMIM 256370.
Wilms tumor 1 (WT1). Also called: Wilms tumor, somatic. Identifiers: Orphanet 654, MedGen CN033288, MONDO:0008679, OMIM 194070.
Drash syndrome (DDS). Also called: NEPHROPATHY, WILMS TUMOR, AND GENITAL ANOMALIES; WILMS TUMOR AND PSEUDO- OR TRUE HERMAPHRODITISM. Identifiers: Orphanet 220, MedGen C0950121, MONDO:0008682, OMIM 194080.
Frasier syndrome. Identifiers: Orphanet 347, MedGen C0950122, MeSH D052159, MONDO:0007635, OMIM 136680.
Mesothelioma, malignant (MESOM). Also called: Malignant mesothelioma (disease). Identifiers: Orphanet 50251, MedGen C0345967, MONDO:0006292, OMIM 156240, HP:0100001.
Meacham syndrome. Also called: Meacham Winn Culler syndrome. Identifiers: Orphanet 3097, MedGen C1837026, MONDO:0012164, OMIM 608978.

Submissions (2):

Fulgent Genetics
Classification: Likely pathogenic for Frasier syndrome; Mesothelioma, malignant; Wilms tumor 1; Drash syndrome; Nephrotic syndrome, type 4; Meacham syndrome. Last evaluated: 2024-05-13. Review status: criteria provided, single submitter. Criteria: ACMG Guidelines, 2015. Collection method: clinical testing. Allele origin: germline.

Rady Children's Institute for Genomic Medicine, Rady Children's Hospital San Diego
Classification: Pathogenic for WT1-Related Disorders. Review status: criteria provided, single submitter. Criteria: ACMG Guidelines, 2015. Collection method: clinical testing. Allele origin: germline. Affected: yes.
Comment: This variant affects the canonical splice donor site of intron 8 and is therefore predicted to interfere with splicing and result in loss of normal protein function through either protein truncation or nonsense-mediated mRNA decay (NMD). Loss-of-function splicing variation is an established mechanism of disease for WT1-related disorders (PMID: 21384108, 25525159, 16717397, 11354777). This variant has not been previously reported or functionally characterized in the literature to our knowledge. It is absent from the gnomAD population database and thus is presumed to be rare. Multiple splice prediction tools suggest this variant is likely to interfere with normal splicing. Analysis of the parental samples was negative for the variant, indicating this variant likely occurred as a de novo event. Based on the available evidence, the c.1339+2T>C variant is classified as Pathogenic.